The following is an entry in ClinVar:

ClinVar aggregate classification (germline): Uncertain significance (1 of 4 stars; one submission).

Conditions:
Fanconi anemia (FA). Also called: Fanconi's anemia. Identifiers: Orphanet 84, MedGen C0015625, MeSH D005199, MONDO:0019391.

Submission:

Labcorp Genetics (formerly Invitae), Labcorp
Classification: Uncertain significance for Fanconi anemia. Last evaluated: 2022-05-28. Review status: criteria provided, single submitter. Criteria: Invitae Variant Classification Sherloc (09022015). Collection method: clinical testing. Allele origin: germline.
Comment: In summary, the available evidence is currently insufficient to determine the role of this variant in disease. Therefore, it has been classified as a Variant of Uncertain Significance. Algorithms developed to predict the effect of missense changes on protein structure and function are either unavailable or do not agree on the potential impact of this missense change (SIFT: "Deleterious"; PolyPhen-2: "Benign"; Align-GVGD: "Class C0"). This variant has not been reported in the literature in individuals affected with FANCI-related conditions. This variant is not present in population databases (gnomAD no frequency). This sequence change replaces glutamic acid, which is acidic and polar, with lysine, which is basic and polar, at codon 692 of the FANCI protein (p.Glu692Lys).

NM_001113378.2(FANCI):c.2074G>A (p.Glu692Lys)

Gene: FANCI (FA complementation group I; plus strand). Cytogenetic location: 15q26.1.
Variant type: single nucleotide variant.
Coding change: c.2074G>A on transcript NM_001113378.2 (MANE Select); coding-DNA position 2074, G replaced by A.
Protein change: p.Glu692Lys; replaces glutamic acid 692 with lysine.
Molecular consequence: missense variant.
Genome position (GRCh38, 1-based): chr15:89,292,769, G>A. VCF-style: chr15-89292769-G-A. GRCh37 (hg19) VCF-style: chr15-89836000-G-A.
Other names: c.1795G>A, p.Glu599Lys (NM_001376910.1); c.2074G>A, p.Glu692Lys (NM_001376911.1, NM_018193.3); short protein forms E599K, E692K.
Identifiers: ClinVar variation 1945088 (VCV001945088.5), dbSNP rs998231801, ClinGen allele CA393749028.
Genomic context (GRCh38, chr15:89,292,769, plus strand): 5'-CAGCATTGTTTGGCCTGGTATAAGAATACAGTCATACCCTTACAGCAGGGAGAGGAGGAA[G>A]AGGAGGAGGAAGAGGCATTCTACGAAGACCTAGATGATATATTGGAGTCCATTACTAATA-3'
Protein context (NP_001106849.1, residues 682-702): VIPLQQGEEE[Glu692Lys]EEEEAFYEDL